The following is an entry in ClinVar:

ClinVar aggregate classification (germline): Uncertain significance (1 of 4 stars; one submission).

Conditions:
Tuberous sclerosis 1 (TSC1). Identifiers: Orphanet 805, MedGen C1854465, MONDO:0008612, OMIM 191100.

Submission:

Labcorp Genetics (formerly Invitae), Labcorp
Classification: Uncertain significance for Tuberous sclerosis 1. Last evaluated: 2019-04-22. Review status: criteria provided, single submitter. Criteria: Invitae Variant Classification Sherloc (09022015). Collection method: clinical testing. Allele origin: germline.
Comment: Algorithms developed to predict the effect of missense changes on protein structure and function are either unavailable or do not agree on the potential impact of this missense change (SIFT: "Deleterious"; PolyPhen-2: "Probably Damaging"; Align-GVGD: "Class C0"). In summary, the available evidence is currently insufficient to determine the role of this variant in disease. Therefore, it has been classified as a Variant of Uncertain Significance. This variant disrupts the p.Leu191 amino acid residue in TSC1. Other variant(s) that disrupt this residue have been determined to be pathogenic (PMID: 18830229, 21309039). This suggests that this residue is clinically significant, and that variants that disrupt this residue are likely to be disease-causing. This variant has not been reported in the literature in individuals with TSC1-related conditions. This variant is not present in population databases (ExAC no frequency). This sequence change replaces leucine with isoleucine at codon 191 of the TSC1 protein (p.Leu191Ile). The leucine residue is highly conserved and there is a small physicochemical difference between leucine and isoleucine.

Literature cited by the submitters: PubMed 18830229; PubMed 21309039.

NM_000368.5(TSC1):c.571C>A (p.Leu191Ile)

Gene: TSC1 (TSC complex subunit 1; minus strand). Cytogenetic location: 9q34.13.
Variant type: single nucleotide variant.
Coding change: c.571C>A on transcript NM_000368.5 (MANE Select); coding-DNA position 571, C replaced by A.
Protein change: p.Leu191Ile; replaces leucine 191 with isoleucine.
Molecular consequence: missense variant.
Genome position (GRCh38, 1-based): chr9:132,921,911, G>T on the plus strand (C>A on the coding strand, the complement: TSC1 is on the minus strand). VCF-style: chr9-132921911-G-T. GRCh37 (hg19) VCF-style: chr9-135797298-G-T.
Other names: c.571C>A, p.Leu191Ile (NM_001162426.2); c.418C>A, p.Leu140Ile (NM_001162427.2); c.208C>A, p.Leu70Ile (NM_001362177.2); short protein forms L191I, L70I, L140I.
Identifiers: ClinVar variation 862000 (VCV000862000.9), dbSNP rs1846585825, ClinGen allele CA375372671.